The following is an entry in ClinVar:

ClinVar aggregate classification (germline): Uncertain significance (1 of 4 stars; one submission).

Conditions:
Neuroblastoma, susceptibility to, 3. Also called: ALK-Related Neuroblastic Tumor Susceptibility. Identifiers: Orphanet 635, MedGen C2751681, MONDO:0013083, OMIM 613014.

Submission:

Labcorp Genetics (formerly Invitae), Labcorp
Classification: Uncertain significance for Neuroblastoma, susceptibility to, 3. Last evaluated: 2023-03-16. Review status: criteria provided, single submitter. Criteria: Invitae Variant Classification Sherloc (09022015). Collection method: clinical testing. Allele origin: germline.
Comment: This variant is not present in population databases (gnomAD no frequency). In summary, the available evidence is currently insufficient to determine the role of this variant in disease. Therefore, it has been classified as a Variant of Uncertain Significance. An algorithm developed to predict the effect of missense changes on protein structure and function (PolyPhen-2) suggests that this variant is likely to be disruptive. This variant has not been reported in the literature in individuals affected with ALK-related conditions. This sequence change replaces asparagine, which is neutral and polar, with tyrosine, which is neutral and polar, at codon 798 of the ALK protein (p.Asn798Tyr).

NM_004304.5(ALK):c.2392A>T (p.Asn798Tyr)

Gene: ALK (ALK receptor tyrosine kinase; minus strand). Cytogenetic location: 2p23.2.
Variant type: single nucleotide variant.
Coding change: c.2392A>T on transcript NM_004304.5 (MANE Select); coding-DNA position 2392, A replaced by T.
Protein change: p.Asn798Tyr; replaces asparagine 798 with tyrosine.
Molecular consequence: missense variant.
Genome position (GRCh38, 1-based): chr2:29,233,660, T>A on the plus strand (A>T on the coding strand, the complement: ALK is on the minus strand). VCF-style: chr2-29233660-T-A. GRCh37 (hg19) VCF-style: chr2-29456526-T-A.
Other names: short protein forms N798Y.
Identifiers: ClinVar variation 2894376 (VCV002894376.3), dbSNP rs2465989912, ClinGen allele CA346472435.